The following is an entry in ClinVar:

NM_001482.3(GATM):c.484+19C>T

Gene: GATM (glycine amidinotransferase; minus strand). Cytogenetic location: 15q21.1.
Variant type: single nucleotide variant.
Coding change: c.484+19C>T on transcript NM_001482.3 (MANE Select); 19 bases into the intron after coding-DNA position 484, C replaced by T.
Molecular consequence: intron variant.
Genome position (GRCh38, 1-based): chr15:45,369,307, G>A on the plus strand (C>T on the coding strand, the complement: GATM is on the minus strand). VCF-style: chr15-45369307-G-A. GRCh37 (hg19) VCF-style: chr15-45661505-G-A.
Other names: c.97+19C>T (NM_001321015.2).
Identifiers: ClinVar variation 385070 (VCV000385070.10), dbSNP rs374556262, ClinGen allele CA7542925.

ClinVar aggregate classification (germline): Likely benign. Review status: criteria provided, multiple submitters, no conflicts (2 of 4 stars). 3 submissions from 3 submitters: Likely benign (3). Last evaluated 2026-01-25.

Conditions:
Arginine:glycine amidinotransferase deficiency (CCDS3). Also called: AGAT deficiency; Creatine deficiency syndrome due to AGAT deficiency; GATM deficiency; Cerebral creatine deficiency syndrome 3; L-Arginine:Glycine Amidinotransferase Deficiency; L-Arginine:Glycine Amidinotransferase (AGAT) Deficiency. Identifiers: Orphanet 35704, MedGen C2675179, MONDO:0012996, OMIM 612718.
Fanconi renotubular syndrome 1. Also called: LUDER-SHELDON SYNDROME; Toni-Debre-Fanconi syndrome; Neonatal De Toni-Debre-Fanconi syndrome; De Toni-Fanconi syndrome; FRTS1. Identifiers: MedGen C4551503, MONDO:0024525, OMIM 134600.

Allele frequency attached by ClinVar (database versions not stated): gnomAD exomes 0.00002 and 0.00006; ExAC 0.00010; gnomAD 0.00025 and 0.00026; TOPMed 0.00028; 1000 Genomes Project 0.00040; ESP Exome Variant Server 0.00054; 1000 Genomes Project 30x 0.00062.
gnomAD v4.1: 66 of 1,607,030 alleles (0.0041%); highest among the groups gnomAD compares: African/African-American, 0.079%; no homozygotes.

Submissions (3):

Labcorp Genetics (formerly Invitae), Labcorp
Classification: Likely benign for Arginine:glycine amidinotransferase deficiency. Last evaluated: 2026-01-25. Review status: criteria provided, single submitter. Criteria: Invitae Variant Classification Sherloc (09022015). Collection method: clinical testing. Allele origin: germline.

Fulgent Genetics
Classification: Likely benign for Fanconi renotubular syndrome 1; Arginine:glycine amidinotransferase deficiency. Last evaluated: 2022-01-12. Review status: criteria provided, single submitter. Criteria: ACMG Guidelines, 2015. Collection method: clinical testing. Allele origin: unknown.

GeneDx
Classification: Likely benign. Last evaluated: 2017-12-21. Review status: criteria provided, single submitter. Criteria: GeneDx Variant Classification (06012015). Collection method: clinical testing. Allele origin: germline. Affected: yes.
Comment: This variant is considered likely benign or benign based on one or more of the following criteria: it is a conservative change, it occurs at a poorly conserved position in the protein, it is predicted to be benign by multiple in silico algorithms, and/or has population frequency not consistent with disease.